The following is an entry in ClinVar:

NM_001100913.3(PACS2):c.1190C>T (p.Thr397Ile)

Gene: PACS2 (phosphofurin acidic cluster sorting protein 2; plus strand). Cytogenetic location: 14q32.33.
Variant type: single nucleotide variant.
Coding change: c.1190C>T on transcript NM_001100913.3 (MANE Select); coding-DNA position 1190, C replaced by T.
Protein change: p.Thr397Ile; replaces threonine 397 with isoleucine.
Molecular consequence: missense variant.
Genome position (GRCh38, 1-based): chr14:105,381,021, C>T. VCF-style: chr14-105381021-C-T. GRCh37 (hg19) VCF-style: chr14-105847358-C-T.
Other names: c.965C>T, p.Thr322Ile (NM_001243127.3); c.1190C>T, p.Thr397Ile (NM_015197.4); short protein forms T397I, T322I.
Identifiers: ClinVar variation 2312307 (VCV002312307.5), dbSNP rs2080973067, ClinGen allele CA391181283.

ClinVar aggregate classification (germline): Uncertain significance. Review status: criteria provided, multiple submitters, no conflicts (2 of 4 stars). 2 submissions from 2 submitters: Uncertain significance (2). Last evaluated 2023-11-02.

Conditions:
Inborn genetic diseases. Identifiers: MedGen C0950123, MeSH D030342.

Allele frequency attached by ClinVar (database versions not stated): gnomAD 0.00001.
gnomAD v4.1: 1 of 1,612,378 alleles (0.000062%); highest among the groups gnomAD compares: Admixed American, 0.0017%; no homozygotes.

Submissions (2):

Labcorp Genetics (formerly Invitae), Labcorp
Classification: Uncertain significance. Last evaluated: 2023-11-02. Review status: criteria provided, single submitter. Criteria: Invitae Variant Classification Sherloc (09022015). Collection method: clinical testing. Allele origin: germline.
Comment: This sequence change replaces threonine, which is neutral and polar, with isoleucine, which is neutral and non-polar, at codon 397 of the PACS2 protein (p.Thr397Ile). This variant is not present in population databases (gnomAD no frequency). This variant has not been reported in the literature in individuals affected with PACS2-related conditions. ClinVar contains an entry for this variant (Variation ID: 2312307). Advanced modeling of protein sequence and biophysical properties (such as structural, functional, and spatial information, amino acid conservation, physicochemical variation, residue mobility, and thermodynamic stability) performed at Invitae indicates that this missense variant is not expected to disrupt PACS2 protein function with a negative predictive value of 80%. In summary, the available evidence is currently insufficient to determine the role of this variant in disease. Therefore, it has been classified as a Variant of Uncertain Significance.

Ambry Genetics
Classification: Uncertain significance for Inborn genetic diseases. Last evaluated: 2022-09-14. Review status: criteria provided, single submitter. Criteria: Ambry Variant Classification Scheme 2023. Collection method: clinical testing. Allele origin: germline.